The following is an entry in ClinVar:

ClinVar aggregate classification (germline): Likely pathogenic. Review status: criteria provided, multiple submitters, no conflicts (2 of 4 stars). 3 submissions from 3 submitters: Likely pathogenic (2). 1 of the submissions does not count toward it. Last evaluated 2026-01-09.

Conditions:
CIITA-related disorder. Also called: CIITA-related condition.
MHC class II deficiency. Also called: Bare lymphocyte syndrome 2; BLS, TYPE II. Identifiers: Orphanet 572, MedGen C5447452, MONDO:0008855.

Allele frequency attached by ClinVar (database versions not stated): gnomAD exomes 0.00002; ExAC 0.00005; ESP Exome Variant Server 0.00008.
gnomAD v4.1: 37 of 1,614,052 alleles (0.0023%); highest among the groups gnomAD compares: Non-Finnish European, 0.0028%; no homozygotes.

Submissions (3):

Labcorp Genetics (formerly Invitae), Labcorp
Classification: Likely pathogenic for MHC class II deficiency. Last evaluated: 2026-01-09. Review status: criteria provided, single submitter. Criteria: Invitae Variant Classification Sherloc (09022015). Collection method: clinical testing. Allele origin: germline.
Comment: This sequence change affects a donor splice site in intron 5 of the CIITA gene. It is expected to disrupt RNA splicing. Variants that disrupt the donor or acceptor splice site typically lead to a loss of protein function (PMID: 16199547), and loss-of-function variants in CIITA are known to be pathogenic (PMID: 8402893, 9099848, 26271388). This variant is present in population databases (rs373613022, gnomAD 0.005%). Disruption of this splice site has been observed in individual(s) with CIITA-related conditions (PMID: 39347515). ClinVar contains an entry for this variant (Variation ID: 1068055). Algorithms developed to predict the effect of sequence changes on RNA splicing suggest that this variant may disrupt the consensus splice site. In summary, the currently available evidence indicates that the variant is pathogenic, but additional data are needed to prove that conclusively. Therefore, this variant has been classified as Likely Pathogenic.

Blueprint Genetics
Classification: Likely pathogenic for CIITA-related disorders. Last evaluated: 2021-09-27. Review status: criteria provided, single submitter. Criteria: ACMG Guidelines, 2015. Collection method: clinical testing. Allele origin: germline. Affected: yes. Observed: 2 variant alleles.

Natera, Inc.
Classification: Likely pathogenic for Bare lymphocyte syndrome type II. Last evaluated: 2021-06-01. Review status: no assertion criteria provided. Collection method: clinical testing. Allele origin: germline. Not counted in ClinVar's aggregate classification.

Literature cited by the submitters: PubMed 16199547 (cited by Labcorp Genetics (formerly Invitae), Labcorp); PubMed 8402893 (cited by Labcorp Genetics (formerly Invitae), Labcorp); PubMed 9099848 (cited by Labcorp Genetics (formerly Invitae), Labcorp); PubMed 26271388 (cited by Labcorp Genetics (formerly Invitae), Labcorp); PubMed 39347515 (cited by Labcorp Genetics (formerly Invitae), Labcorp).

NM_000246.4(CIITA):c.436+1G>A

Gene: CIITA (class II major histocompatibility complex transactivator; plus strand). Cytogenetic location: 16p13.13.
Variant type: single nucleotide variant.
Coding change: c.436+1G>A on transcript NM_000246.4 (MANE Select); the canonical splice donor site of the intron after coding-DNA position 436, G replaced by A.
Molecular consequence: splice donor variant.
Genome position (GRCh38, 1-based): chr16:10,899,003, G>A. VCF-style: chr16-10899003-G-A. GRCh37 (hg19) VCF-style: chr16-10992860-G-A.
Other names: c.439+1G>A (NM_001286402.1, NM_001379332.1, NM_001379330.1); c.436+1G>A (NM_001379333.1, NM_001379331.1, NM_001286403.2); c.367+1G>A (NM_001379334.1).
Identifiers: ClinVar variation 1068055 (VCV001068055.12), dbSNP rs373613022, ClinGen allele CA7899708.